The following is an entry in ClinVar:

ClinVar aggregate classification (germline): Uncertain significance. Review status: criteria provided, multiple submitters, no conflicts (2 of 4 stars). 2 submissions from 2 submitters: Uncertain significance (2). Last evaluated 2024-11-18.

Conditions:
RYR1-related disorder. Also called: RYR1-related condition; RYR1-related disorders. Identifiers: MedGen CN239331.
Malignant hyperthermia, susceptibility to, 1 (MHS1). Also called: Anesthesia related hyperthermia; Malignant hyperpyrexia; Fulminating hyperpyrexia; Pharmacogenic myopathy; RYR1-Related Malignant Hyperthermia Susceptibility; Malignant hyperthermia suceptibility 1. Identifiers: Orphanet 423, MedGen C2930980, MONDO:0007783, OMIM 145600.

Submissions (2):

Labcorp Genetics (formerly Invitae), Labcorp
Classification: Uncertain significance for RYR1-related disorder. Last evaluated: 2024-11-18. Review status: criteria provided, single submitter. Criteria: Invitae Variant Classification Sherloc (09022015). Collection method: clinical testing. Allele origin: germline.
Comment: This sequence change replaces leucine, which is neutral and non-polar, with valine, which is neutral and non-polar, at codon 4769 of the RYR1 protein (p.Leu4769Val). This variant is not present in population databases (gnomAD no frequency). This variant has not been reported in the literature in individuals affected with RYR1-related conditions. ClinVar contains an entry for this variant (Variation ID: 1494403). Experimental studies and prediction algorithms are not available or were not evaluated, and the functional significance of this variant is currently unknown. In summary, the available evidence is currently insufficient to determine the role of this variant in disease. Therefore, it has been classified as a Variant of Uncertain Significance.

All of Us Research Program, National Institutes of Health
Classification: Uncertain significance for Malignant hyperthermia, susceptibility to, 1. Last evaluated: 2023-08-14. Review status: criteria provided, single submitter. Criteria: ACMG Guidelines, 2015. Collection method: clinical testing. Allele origin: germline. Inheritance: Autosomal dominant inheritance. Observed: 2 variant alleles, 2 heterozygotes.
Comment: This missense variant replaces leucine with valine at codon 4769 of the RYR1 protein. Computational prediction suggests that this variant may not impact protein structure and function (internally defined REVEL score threshold <= 0.5, PMID: 27666373). To our knowledge, functional studies have not been reported for this variant. This variant has not been reported in individuals affected with RYR1-related disorders in the literature. This variant has not been identified in the general population by the Genome Aggregation Database (gnomAD). The available evidence is insufficient to determine the role of this variant in disease conclusively. Therefore, this variant is classified as a Variant of Uncertain Significance.

This study involves interpretation of variants in research participants for the purpose of population health screening. Participant phenotype was not available at the time of variant classification. Additional details can be found in publication PMID: 35346344, PMCID: PMC8962531

NM_000540.3(RYR1):c.14305C>G (p.Leu4769Val)

Gene: RYR1 (ryanodine receptor 1; plus strand). Cytogenetic location: 19q13.2.
Variant type: single nucleotide variant.
Coding change: c.14305C>G on transcript NM_000540.3 (MANE Select); coding-DNA position 14305, C replaced by G.
Protein change: p.Leu4769Val; replaces leucine 4769 with valine.
Molecular consequence: missense variant.
Genome position (GRCh38, 1-based): chr19:38,578,145, C>G. VCF-style: chr19-38578145-C-G. GRCh37 (hg19) VCF-style: chr19-39068785-C-G.
Other names: c.14290C>G, p.Leu4764Val (NM_001042723.2); short protein forms L4764V, L4769V.
Identifiers: ClinVar variation 1494403 (VCV001494403.7), dbSNP rs755948352, ClinGen allele CA405684969.